The following is an entry in ClinVar:

NM_020778.5(ALPK3):c.572C>T (p.Ala191Val)

Gene: ALPK3 (alpha kinase 3; plus strand). Cytogenetic location: 15q25.3.
Variant type: single nucleotide variant.
Coding change: c.572C>T on transcript NM_020778.5 (MANE Select); coding-DNA position 572, C replaced by T.
Protein change: p.Ala191Val; replaces alanine 191 with valine.
Molecular consequence: missense variant.
Genome position (GRCh38, 1-based): chr15:84,839,851, C>T. VCF-style: chr15-84839851-C-T. GRCh37 (hg19) VCF-style: chr15-85383082-C-T.
Other names: short protein forms A191V.
Identifiers: ClinVar variation 4741446 (VCV004741446.1).

ClinVar aggregate classification (germline): Uncertain significance (1 of 4 stars; one submission).

Submission:

Labcorp Genetics (formerly Invitae), Labcorp
Classification: Uncertain significance. Last evaluated: 2025-07-13. Review status: criteria provided, single submitter. Criteria: Invitae Variant Classification Sherloc (09022015). Collection method: clinical testing. Allele origin: germline.
Comment: This sequence change replaces alanine, which is neutral and non-polar, with valine, which is neutral and non-polar, at codon 393 of the ALPK3 protein (p.Ala393Val). This variant is not present in population databases (gnomAD no frequency). This variant has not been reported in the literature in individuals affected with ALPK3-related conditions. Invitae Evidence Modeling of protein sequence and biophysical properties (such as structural, functional, and spatial information, amino acid conservation, physicochemical variation, residue mobility, and thermodynamic stability) indicates that this missense variant is expected to disrupt ALPK3 protein function with a positive predictive value of 80%. In summary, the available evidence is currently insufficient to determine the role of this variant in disease. Therefore, it has been classified as a Variant of Uncertain Significance.